The following is an entry in ClinVar:

ClinVar aggregate classification (germline): Uncertain significance (1 of 4 stars; one submission).

Allele frequency attached by ClinVar (database versions not stated): gnomAD 0.00003; TOPMed 0.00002.
gnomAD v4.1: 26 of 1,613,884 alleles (0.0016%); highest among the groups gnomAD compares: African/African-American, 0.008%; no homozygotes.

Submission:

Labcorp Genetics (formerly Invitae), Labcorp
Classification: Uncertain significance. Last evaluated: 2023-07-21. Review status: criteria provided, single submitter. Criteria: Invitae Variant Classification Sherloc (09022015). Collection method: clinical testing. Allele origin: germline.
Comment: This sequence change replaces glutamic acid, which is acidic and polar, with lysine, which is basic and polar, at codon 3555 of the USH2A protein (p.Glu3555Lys). This variant is present in population databases (no rsID available, gnomAD 0.01%). This variant has not been reported in the literature in individuals affected with USH2A-related conditions. ClinVar contains an entry for this variant (Variation ID: 998659). Advanced modeling of protein sequence and biophysical properties (such as structural, functional, and spatial information, amino acid conservation, physicochemical variation, residue mobility, and thermodynamic stability) performed at Invitae indicates that this missense variant is not expected to disrupt USH2A protein function. In summary, the available evidence is currently insufficient to determine the role of this variant in disease. Therefore, it has been classified as a Variant of Uncertain Significance.

NM_206933.4(USH2A):c.10663G>A (p.Glu3555Lys)

Gene: USH2A (usherin; minus strand). Cytogenetic location: 1q41.
Variant type: single nucleotide variant.
Coding change: c.10663G>A on transcript NM_206933.4 (MANE Select); coding-DNA position 10663, G replaced by A.
Protein change: p.Glu3555Lys; replaces glutamic acid 3555 with lysine.
Molecular consequence: missense variant.
Genome position (GRCh38, 1-based): chr1:215,782,119, C>T on the plus strand (G>A on the coding strand, the complement: USH2A is on the minus strand). VCF-style: chr1-215782119-C-T. GRCh37 (hg19) VCF-style: chr1-215955461-C-T.
Other names: short protein forms E3555K.
Identifiers: ClinVar variation 998659 (VCV000998659.7), dbSNP rs1004971373, ClinGen allele CA37437400.